The following is an entry in ClinVar:

NM_001197104.2(KMT2A):c.802A>G (p.Thr268Ala)

Gene: KMT2A (lysine methyltransferase 2A; plus strand). Cytogenetic location: 11q23.3.
Variant type: single nucleotide variant.
Coding change: c.802A>G on transcript NM_001197104.2 (MANE Select); coding-DNA position 802, A replaced by G.
Protein change: p.Thr268Ala; replaces threonine 268 with alanine.
Molecular consequence: missense variant.
Genome position (GRCh38, 1-based): chr11:118,471,961, A>G. VCF-style: chr11-118471961-A-G. GRCh37 (hg19) VCF-style: chr11-118342676-A-G.
Other names: c.901A>G, p.Thr301Ala (NM_001412597.1); c.802A>G, p.Thr268Ala (NM_005933.4); short protein forms T268A, T301A.
Identifiers: ClinVar variation 4882620 (VCV004882620.2).
Genomic context (GRCh38, chr11:118,471,961, plus strand): 5'-AACAAAGAAGATAGCCTGAAAAAAATTAAAAGGACACCTTCTGCTACGTTTCAGCAAGCC[A>G]CAAAGATTAAAAAATTAAGAGCAGGTAAACTCTCTCCTCTCAAGTCTAAGTTTAAGACAG-3'
Protein context (NP_001184033.1, residues 258-278): RTPSATFQQA[Thr268Ala]KIKKLRAGKL

ClinVar aggregate classification (germline): Uncertain significance (1 of 4 stars; one submission).

Submission:

Dasa
Classification: Uncertain significance. Last evaluated: 2025-09-19. Review status: criteria provided, single submitter. Criteria: DASA Assertion Criteria. Collection method: clinical testing. Allele origin: germline.
Comment: NM_001197104.2(KMT2A):c.802A>G (p.Thr268Ala) is a missense variant that results in the substitution of threonine with alanine. This variant is absent from population databases. Computational prediction algorithms are consistent with a benign effect. The currently available literature and clinical evidence are not sufficient to establish a definitive association between this variant and the reported condition. Therefore, this variant is classified as a variant of uncertain significance.